The following is an entry in ClinVar:

NM_006389.5(HYOU1):c.1980G>A (p.Lys660=)

Gene: HYOU1 (hypoxia up-regulated 1; minus strand). Cytogenetic location: 11q23.3.
Variant type: single nucleotide variant.
Coding change: c.1980G>A on transcript NM_006389.5 (MANE Select); coding-DNA position 1980, G replaced by A.
Protein change: p.Lys660=; no amino-acid change (lysine 660 retained).
Molecular consequence: synonymous variant.
Genome position (GRCh38, 1-based): chr11:119,049,030, C>T on the plus strand (G>A on the coding strand, the complement: HYOU1 is on the minus strand). VCF-style: chr11-119049030-C-T. GRCh37 (hg19) VCF-style: chr11-118919742-C-T.
Other names: c.1980G>A, p.Lys660= (NM_001130991.3, NM_001411041.1).
Identifiers: ClinVar variation 3052552 (VCV003052552.3), dbSNP rs981860801, ClinGen allele CA229619612.

ClinVar aggregate classification (germline): Likely benign. Review status: criteria provided, single submitter (1 of 4 stars). 2 submissions from 2 submitters: Likely benign (1). 1 of the submissions does not count toward it. Last evaluated 2025-06-05.

Conditions:
HYOU1-related disorder. Also called: HYOU1-related condition.

Allele frequency attached by ClinVar (database versions not stated): gnomAD exomes below 0.00001; gnomAD 0.00001; TOPMed 0.00001.
gnomAD v4.1: 3 of 1,614,076 alleles (0.00019%); highest among the groups gnomAD compares: Admixed American, 0.0017%; no homozygotes.

Submissions (2):

Labcorp Genetics (formerly Invitae), Labcorp
Classification: Likely benign. Last evaluated: 2025-06-05. Review status: criteria provided, single submitter. Criteria: Invitae Variant Classification Sherloc (09022015). Collection method: clinical testing. Allele origin: germline.

PreventionGenetics, part of Exact Sciences
Classification: Likely benign for HYOU1-related condition. Last evaluated: 2019-08-13. Review status: no assertion criteria provided. Collection method: clinical testing. Allele origin: germline. Not counted in ClinVar's aggregate classification.
Comment: This variant is classified as likely benign based on ACMG/AMP sequence variant interpretation guidelines (Richards et al. 2015 PMID: 25741868, with internal and published modifications).